The following is an entry in ClinVar:

NM_015915.5(ATL1):c.1460C>T (p.Thr487Ile)

Gene: ATL1 (atlastin GTPase 1; plus strand). Cytogenetic location: 14q22.1.
Variant type: single nucleotide variant.
Coding change: c.1460C>T on transcript NM_015915.5 (MANE Select); coding-DNA position 1460, C replaced by T.
Protein change: p.Thr487Ile; replaces threonine 487 with isoleucine.
Molecular consequence: missense variant.
Genome position (GRCh38, 1-based): chr14:50,628,371, C>T. VCF-style: chr14-50628371-C-T. GRCh37 (hg19) VCF-style: chr14-51095089-C-T.
Other names: c.1460C>T, p.Thr487Ile (NM_001127713.1, NM_181598.4); short protein forms T487I.
Identifiers: ClinVar variation 1523445 (VCV001523445.6), dbSNP rs778172917, ClinGen allele CA7180487.

ClinVar aggregate classification (germline): Uncertain significance (1 of 4 stars; one submission).

Conditions:
Hereditary spastic paraplegia 3A (SPG3A). Also called: Spastic Paraplegia 3A; Spastic paraplegia 3A, autosomal dominant; SPASTIC PARAPLEGIA 3, AUTOSOMAL DOMINANT; FAMILIAL SPASTIC PARAPLEGIA, AUTOSOMAL DOMINANT, 1; SPG3; STRUMPELL DISEASE. Identifiers: Orphanet 100984, MedGen C2931355, MONDO:0008437, OMIM 182600.

Allele frequency attached by ClinVar (database versions not stated): gnomAD exomes below 0.00001; ExAC 0.00001.
gnomAD v4.1: 1 of 1,614,140 alleles (0.000062%); highest among the groups gnomAD compares: Admixed American, 0.0017%; no homozygotes.

Submission:

Labcorp Genetics (formerly Invitae), Labcorp
Classification: Uncertain significance for Hereditary spastic paraplegia 3A. Last evaluated: 2022-03-18. Review status: criteria provided, single submitter. Criteria: Invitae Variant Classification Sherloc (09022015). Collection method: clinical testing. Allele origin: germline.
Comment: This sequence change replaces threonine, which is neutral and polar, with isoleucine, which is neutral and non-polar, at codon 487 of the ATL1 protein (p.Thr487Ile). This variant is present in population databases (rs778172917, gnomAD 0.003%). This variant has not been reported in the literature in individuals affected with ATL1-related conditions. Algorithms developed to predict the effect of missense changes on protein structure and function are either unavailable or do not agree on the potential impact of this missense change (SIFT: "Deleterious"; PolyPhen-2: "Benign"; Align-GVGD: "Class C15"). In summary, the available evidence is currently insufficient to determine the role of this variant in disease. Therefore, it has been classified as a Variant of Uncertain Significance.